The following is an entry in ClinVar:

ClinVar aggregate classification (germline): Benign/Likely benign. Review status: criteria provided, multiple submitters, no conflicts (2 of 4 stars). 6 submissions from 6 submitters: Benign (1); Likely benign (2). 3 of the submissions do not count toward it. Last evaluated 2026-08-01.

Conditions:
LMX1B-related disorder. Also called: LMX1B-related condition.

Allele frequency attached by ClinVar (database versions not stated): ESP Exome Variant Server 0.00128; 1000 Genomes Project 30x 0.00265; 1000 Genomes Project 0.00319; gnomAD 0.00426 and 0.00429; gnomAD exomes 0.00439 and 0.00545; TOPMed 0.00442; ExAC 0.00922.
gnomAD v4.1: 4,738 of 1,066,628 alleles (0.44%); highest among the groups gnomAD compares: Middle Eastern, 2.7%; 27 homozygotes.

Submissions (6):

CeGaT Center for Human Genetics Tuebingen
Classification: Benign. Last evaluated: 2026-08-01. Review status: criteria provided, single submitter. Criteria: CeGaT Center For Human Genetics Tuebingen Variant Classification Criteria Version 2. Collection method: clinical testing. Allele origin: germline. Affected: yes. Observed: 14 variant alleles.
Comment: LMX1B: BP4, BS1, BS2

Blueprint Genetics
Classification: Likely benign. Last evaluated: 2024-11-27. Review status: criteria provided, single submitter. Criteria: ACMG Guidelines, 2015. Collection method: clinical testing. Allele origin: germline.

Breakthrough Genomics
Classification: Likely benign. Review status: criteria provided, single submitter. Criteria: ACMG Guidelines, 2015. Collection method: not provided. Allele origin: germline. Inheritance: Autosomal dominant inheritance. Affected: yes.

PreventionGenetics, part of Exact Sciences
Classification: Benign for LMX1B-related condition. Last evaluated: 2019-05-21. Review status: no assertion criteria provided. Collection method: clinical testing. Allele origin: germline. Not counted in ClinVar's aggregate classification.
Comment: This variant is classified as benign based on ACMG/AMP sequence variant interpretation guidelines (Richards et al. 2015 PMID: 25741868, with internal and published modifications).

Genome Diagnostics Laboratory, University Medical Center Utrecht
Classification: Benign. Review status: no assertion criteria provided. Collection method: clinical testing. Allele origin: germline. Affected: yes. Study: VKGL Data-share Consensus. Not counted in ClinVar's aggregate classification.

Laboratory of Diagnostic Genome Analysis, Leiden University Medical Center (LUMC)
Classification: Likely benign. Review status: no assertion criteria provided. Collection method: clinical testing. Allele origin: germline. Affected: yes. Study: VKGL Data-share Consensus. Not counted in ClinVar's aggregate classification.

NM_001174147.2(LMX1B):c.886+28G>A

Gene: LMX1B (LIM homeobox transcription factor 1 beta; plus strand). Cytogenetic location: 9q33.3.
Variant type: single nucleotide variant.
Coding change: c.886+28G>A on transcript NM_001174147.2 (MANE Select); 28 bases into the intron after coding-DNA position 886, G replaced by A.
Molecular consequence: intron variant. On other transcripts: missense variant (1).
Genome position (GRCh38, 1-based): chr9:126,693,840, G>A. VCF-style: chr9-126693840-G-A. GRCh37 (hg19) VCF-style: chr9-129456119-G-A.
Other names: c.914G>A, p.Gly305Asp (NM_001174146.2); c.886+28G>A (NM_002316.4); c.914G>A (NM_001174146.1); short protein forms G305D.
Identifiers: ClinVar variation 1206011 (VCV001206011.28), dbSNP rs150656317, ClinGen allele CA5242464.